The following is an entry in ClinVar:

NM_001079.4(ZAP70):c.1409T>G (p.Val470Gly)

Gene: ZAP70 (zeta chain of T cell receptor associated protein kinase 70; plus strand). Cytogenetic location: 2q11.2.
Variant type: single nucleotide variant.
Coding change: c.1409T>G on transcript NM_001079.4 (MANE Select); coding-DNA position 1409, T replaced by G.
Protein change: p.Val470Gly; replaces valine 470 with glycine.
Molecular consequence: missense variant.
Genome position (GRCh38, 1-based): chr2:97,737,592, T>G. VCF-style: chr2-97737592-T-G. GRCh37 (hg19) VCF-style: chr2-98354055-T-G.
Other names: c.1409T>G, p.Val470Gly (NM_001378594.1); c.488T>G, p.Val163Gly (NM_207519.2); short protein forms V470G, V163G.
Identifiers: ClinVar variation 403618 (VCV000403618.4), dbSNP rs1060499918, ClinGen allele CA16609720.

ClinVar aggregate classification (germline): Uncertain significance (1 of 4 stars; one submission).

Submission:

Laboratory for Molecular Medicine, Mass General Brigham Personalized Medicine
Classification: Uncertain significance. Last evaluated: 2016-03-28. Review status: criteria provided, single submitter. Criteria: LMM Criteria. Collection method: clinical testing. Allele origin: germline.
Comment: Variant identified in a genome or exome case(s) and assessed due to predicted null impact of the variant or pathogenic assertions in the literature or databases. Disclaimer: This variant has not undergone full assessment. The following are preliminary notes: Gene associated with recessive SCID. No information available for this variant and no second variant in the gene